The following is an entry in ClinVar:

NM_001130987.2(DYSF):c.3544del (p.Leu1182fs)

Gene: DYSF (dysferlin; plus strand). Cytogenetic location: 2p13.2.
Variant type: Deletion.
Coding change: c.3544del on transcript NM_001130987.2 (MANE Select); coding-DNA position 3544, one base deleted (C; older notation c.3544delC).
Protein change: p.Leu1182fs; shifts the reading frame from leucine 1182.
Molecular consequence: frameshift variant.
Genome position (GRCh38, 1-based): chr2:71,590,258, C deleted; the last of 2 consecutive C bases (chr2:71,590,257-71,590,258); deleting either gives the same sequence. VCF-style (leftmost placement, unchanged base first): chr2-71590256-AC-A. GRCh37 (hg19) VCF-style: chr2-71817386-AC-A.
Other names: c.3493del, p.Leu1165fs (NM_001130455.2, NM_001130983.2); c.3448del, p.Leu1150fs (NM_001130976.2, NM_001130977.2); c.3490del, p.Leu1164fs (NM_001130978.2, NM_003494.4); c.3583del, p.Leu1195fs (NM_001130979.2); c.3541del, p.Leu1181fs (NM_001130980.2, NM_001130981.2); c.3586del, p.Leu1196fs (NM_001130982.2); c.3451del, p.Leu1151fs (NM_001130984.2, NM_001130986.2); c.3544del, p.Leu1182fs (NM_001130985.2); short protein forms L1150fs, L1151fs, L1164fs, L1165fs, L1181fs, L1182fs, L1195fs, L1196fs.
Identifiers: ClinVar variation 4815139 (VCV004815139.1).

ClinVar aggregate classification (germline): Likely pathogenic (1 of 4 stars; one submission).

Conditions:
Autosomal recessive limb-girdle muscular dystrophy type 2B (LGMDR2). Also called: MUSCULAR DYSTROPHY, LIMB-GIRDLE, TYPE 3; MUSCULAR DYSTROPHY, LIMB-GIRDLE, AUTOSOMAL RECESSIVE 2; Limb-Girdle Muscular Dystrophy Type 2B (LGMD2B); Limb-girdle muscular dystrophy, type 2B. Identifiers: Orphanet 268, MedGen C1850889, MONDO:0009676, OMIM 253601.

Submission:

Natera, Inc.
Classification: Likely pathogenic for Limb-girdle muscular dystrophy type 2B. Last evaluated: 2024-10-08. Review status: criteria provided, single submitter. Criteria: Natera Variant Classification Schema (03/2026). Collection method: clinical testing. Allele origin: germline.
Comment: The c.3490del variant in DYSF is a frameshift variant predicted to shift the reading frame beginning at codon 1164 and leads to a stop codon 28 codons downstream. This variant is expected to result in nonsense mediated decay, truncation, or a dysfunctional protein product. This variant is rare in the general population with a frequency below the threshold expected for the associated phenotype(s). Given the available evidence, this variant is classified as Likely Pathogenic.